The following is an entry in ClinVar:

ClinVar aggregate classification (germline): Uncertain significance (1 of 4 stars; one submission).

Conditions:
Familial cancer of breast. Also called: Hereditary breast cancer; BREAST CANCER, FAMILIAL; hereditary breast carcinoma. Identifiers: Orphanet 227535, MedGen C0346153, MONDO:0016419, OMIM 114480. Disease mechanism: loss of function.

Submission:

Labcorp Genetics (formerly Invitae), Labcorp
Classification: Uncertain significance for Familial cancer of breast. Last evaluated: 2021-08-26. Review status: criteria provided, single submitter. Criteria: Invitae Variant Classification Sherloc (09022015). Collection method: clinical testing. Allele origin: germline.
Comment: This variant, c.473_475dup, results in the insertion of 1 amino acid(s) to the CHEK2 protein (p.Ala158_Tyr159insSer), but otherwise preserves the integrity of the reading frame. This variant is not present in population databases (ExAC no frequency). This variant has not been reported in the literature in individuals affected with CHEK2-related conditions. Experimental studies and prediction algorithms are not available or were not evaluated, and the functional significance of this variant is currently unknown. In summary, the available evidence is currently insufficient to determine the role of this variant in disease. Therefore, it has been classified as a Variant of Uncertain Significance.

NM_007194.4(CHEK2):c.473_475dup (p.Ala158_Tyr159insSer)

Gene: CHEK2 (checkpoint kinase 2; minus strand). Cytogenetic location: 22q12.1.
Variant type: Duplication.
Coding change: c.473_475dup on transcript NM_007194.4 (MANE Select); coding-DNA positions 473 to 475, 3 bases duplicated (CAT; older notation c.473_475dupCAT).
Protein change: p.Ala158_Tyr159insSer.
Molecular consequence: inframe insertion. On other transcripts: 5 prime UTR variant (2), intron variant (1).
Genome position (GRCh38, 1-based): chr22:28,725,094-28,725,096, ATG duplicated on the plus strand (CAT on the coding strand, the reverse complement: CHEK2 is on the minus strand). VCF-style (leftmost placement, unchanged base first): chr22-28725093-T-TATG. GRCh37 (hg19) VCF-style: chr22-29121081-T-TATG.
Other names: c.602_604dup, p.Ala201_Tyr202insSer (NM_001005735.3, NM_001438294.1); c.-305_-303dup (NM_001257387.3); c.-191_-189dup (NM_001437942.1); c.566_568dup, p.Ala189_Tyr190insSer (NM_001438293.1, NM_001438295.1); c.473_475dup, p.Ala158_Tyr159insSer (NM_145862.3); c.444+147_444+149dup (NM_001349956.3).
Identifiers: ClinVar variation 1377684 (VCV001377684.7), dbSNP rs2146060962, ClinGen allele CA2573157999.